The following is an entry in ClinVar:

NM_021072.4(HCN1):c.2258C>T (p.Pro753Leu)

Gene: HCN1 (hyperpolarization activated cyclic nucleotide gated potassium channel 1; minus strand). Cytogenetic location: 5p12.
Variant type: single nucleotide variant.
Coding change: c.2258C>T on transcript NM_021072.4 (MANE Select); coding-DNA position 2258, C replaced by T.
Protein change: p.Pro753Leu; replaces proline 753 with leucine.
Molecular consequence: missense variant.
Genome position (GRCh38, 1-based): chr5:45,262,336, G>A on the plus strand (C>T on the coding strand, the complement: HCN1 is on the minus strand). VCF-style: chr5-45262336-G-A. GRCh37 (hg19) VCF-style: chr5-45262438-G-A.
Other names: short protein forms P753L.
Identifiers: ClinVar variation 2350054 (VCV002350054.5), dbSNP rs367708007, ClinGen allele CA118278365.

ClinVar aggregate classification (germline): Uncertain significance. Review status: criteria provided, multiple submitters, no conflicts (2 of 4 stars). 2 submissions from 2 submitters: Uncertain significance (2). Last evaluated 2024-08-13.

Conditions:
Early-infantile DEE. Also called: Early infantile epileptic encephalopathy with suppression bursts; Early infantile epileptic encephalopathy; Ohtahara syndrome. Identifiers: Orphanet 1934, MedGen C0393706, MONDO:0800491.
Inborn genetic diseases. Identifiers: MedGen C0950123, MeSH D030342.

Allele frequency attached by ClinVar (database versions not stated): gnomAD 0.00001; gnomAD exomes below 0.00001; TOPMed 0.00001.
gnomAD v4.1: 10 of 1,613,280 alleles (0.00062%); highest among the groups gnomAD compares: Middle Eastern, 0.033%; no homozygotes.

Submissions (2):

Labcorp Genetics (formerly Invitae), Labcorp
Classification: Uncertain significance for Early-infantile DEE. Last evaluated: 2024-08-13. Review status: criteria provided, single submitter. Criteria: Invitae Variant Classification Sherloc (09022015). Collection method: clinical testing. Allele origin: germline.
Comment: This sequence change replaces proline, which is neutral and non-polar, with leucine, which is neutral and non-polar, at codon 753 of the HCN1 protein (p.Pro753Leu). This variant is present in population databases (rs367708007, gnomAD 0.003%). This variant has not been reported in the literature in individuals affected with HCN1-related conditions. ClinVar contains an entry for this variant (Variation ID: 2350054). Advanced modeling of protein sequence and biophysical properties (such as structural, functional, and spatial information, amino acid conservation, physicochemical variation, residue mobility, and thermodynamic stability) performed at Invitae indicates that this missense variant is not expected to disrupt HCN1 protein function with a negative predictive value of 95%. In summary, the available evidence is currently insufficient to determine the role of this variant in disease. Therefore, it has been classified as a Variant of Uncertain Significance.

Ambry Genetics
Classification: Uncertain significance for Inborn genetic diseases. Last evaluated: 2021-09-16. Review status: criteria provided, single submitter. Criteria: Ambry Variant Classification Scheme 2023. Collection method: clinical testing. Allele origin: germline.